The following is an entry in ClinVar:

ClinVar aggregate classification (germline): Uncertain significance (1 of 4 stars; one submission).

Submission:

Labcorp Genetics (formerly Invitae), Labcorp
Classification: Uncertain significance. Last evaluated: 2022-08-09. Review status: criteria provided, single submitter. Criteria: Invitae Variant Classification Sherloc (09022015). Collection method: clinical testing. Allele origin: germline.
Comment: In summary, the available evidence is currently insufficient to determine the role of this variant in disease. Therefore, it has been classified as a Variant of Uncertain Significance. Algorithms developed to predict the effect of missense changes on protein structure and function are either unavailable or do not agree on the potential impact of this missense change (SIFT: "Deleterious"; PolyPhen-2: "Probably Damaging"; Align-GVGD: "Class C0"). This variant has not been reported in the literature in individuals affected with RBP3-related conditions. This variant is not present in population databases (gnomAD no frequency). This sequence change replaces valine, which is neutral and non-polar, with glycine, which is neutral and non-polar, at codon 347 of the RBP3 protein (p.Val347Gly).

NM_002900.3(RBP3):c.1040T>G (p.Val347Gly)

Gene: RBP3 (retinol binding protein 3; plus strand). Cytogenetic location: 10q11.22.
Variant type: single nucleotide variant.
Coding change: c.1040T>G on transcript NM_002900.3 (MANE Select); coding-DNA position 1040, T replaced by G.
Protein change: p.Val347Gly; replaces valine 347 with glycine.
Molecular consequence: missense variant.
Genome position (GRCh38, 1-based): chr10:47,349,524, T>G. VCF-style: chr10-47349524-T-G. GRCh37 (hg19) VCF-style: chr10-48389838-A-C.
Other names: short protein forms V347G.
Identifiers: ClinVar variation 2062654 (VCV002062654.4), dbSNP rs2549028228, ClinGen allele CA376667698.
Genomic context (GRCh38, chr10:47,349,524, plus strand): 5'-CAGGGGTAGTCCACTGCCTCCAGGAGGTCCTGAAGGACTACTACACGCTGGTGGACCGTG[T>G]GCCCACCCTGCTGCAGCACTTGGCCAGCATGGACTTCTCCACGGTGGTCTCCGAGGAAGA-3'
Protein context (NP_002891.1, residues 337-357): LKDYYTLVDR[Val347Gly]PTLLQHLASM